The following is an entry in ClinVar:

ClinVar aggregate classification (germline): Likely benign. Review status: criteria provided, multiple submitters, no conflicts (2 of 4 stars). 4 submissions from 4 submitters: Likely benign (4). Last evaluated 2026-01-31.

Conditions:
Hereditary cancer-predisposing syndrome. Also called: Hereditary Cancer Syndrome; Hereditary neoplastic syndrome; Neoplastic Syndromes, Hereditary; Tumor predisposition. Identifiers: Orphanet 140162, MedGen C0027672, MeSH D009386, MONDO:0015356.
Hereditary breast ovarian cancer syndrome. Also called: Hereditary breast and ovarian cancer syndrome; Hereditary breast and ovarian cancer; Breast and ovarian cancer; BRCA1- and BRCA2-Associated Hereditary Breast and Ovarian Cancer; Hereditary breast and/or ovarian cancer syndrome; Hereditary breast and ovarian cancer syndrome (HBOC). Identifiers: Orphanet 145, MedGen C0677776, MeSH D061325, MONDO:0003582. Disease mechanism: loss of function.

Allele frequency attached by ClinVar (database versions not stated): gnomAD exomes below 0.00001; gnomAD 0.00001; TOPMed 0.00002.
gnomAD v4.1: 2 of 1,607,108 alleles (0.00012%); highest among the groups gnomAD compares: African/African-American, 0.0027%; no homozygotes.

Submissions (4):

Labcorp Genetics (formerly Invitae), Labcorp
Classification: Likely benign for Hereditary breast ovarian cancer syndrome. Last evaluated: 2026-01-31. Review status: criteria provided, single submitter. Criteria: Invitae Variant Classification Sherloc (09022015). Collection method: clinical testing. Allele origin: germline.

Women's Health and Genetics/Laboratory Corporation of America, LabCorp
Classification: Likely benign. Last evaluated: 2024-12-11. Review status: criteria provided, single submitter. Criteria: LabCorp Variant Classification Summary - May 2015. Collection method: clinical testing. Allele origin: germline.

Color Diagnostics, LLC DBA Color Health
Classification: Likely benign for Hereditary cancer-predisposing syndrome. Last evaluated: 2019-03-29. Review status: criteria provided, single submitter. Criteria: ACMG Guidelines, 2015. Collection method: clinical testing. Allele origin: germline.

GeneDx
Classification: Likely benign. Last evaluated: 2017-06-14. Review status: criteria provided, single submitter. Criteria: GeneDx Variant Classification (06012015). Collection method: clinical testing. Allele origin: germline. Affected: yes.
Comment: This variant is considered likely benign or benign based on one or more of the following criteria: it is a conservative change, it occurs at a poorly conserved position in the protein, it is predicted to be benign by multiple in silico algorithms, and/or has population frequency not consistent with disease.

NM_007294.4(BRCA1):c.302-11G>A

Gene: BRCA1 (BRCA1 DNA repair associated; minus strand). Cytogenetic location: 17q21.31.
Variant type: single nucleotide variant.
Coding change: c.302-11G>A on transcript NM_007294.4 (MANE Select); 11 bases into the intron before coding-DNA position 302, G replaced by A.
Molecular consequence: intron variant.
Genome position (GRCh38, 1-based): chr17:43,104,272, C>T on the plus strand (G>A on the coding strand, the complement: BRCA1 is on the minus strand). VCF-style: chr17-43104272-C-T. GRCh37 (hg19) VCF-style: chr17-41256289-C-T.
Other names: c.302-11G>A (NM_001407635.1, NM_001408495.1, NM_001408448.1 and 164 more transcripts); c.161-11G>A (NM_001408458.1, NM_001407922.1, NM_001407729.1 and 99 more transcripts); c.-218-9412G>A (NM_001407967.1, NM_001407966.1); c.92-11G>A (NM_001407899.1, NM_001408507.1, NM_001407885.1 and 58 more transcripts); c.-80-11G>A (NM_001407959.1, NM_001407962.1, NM_001408512.1 and 4 more transcripts); c.170-11G>A (NM_001408451.1); c.224-11G>A (NM_001408475.1, NM_001407875.1, NM_001407659.1 and 21 more transcripts); c.293-11G>A (NM_001408408.1, NM_001407647.1, NM_001407646.1).
Identifiers: ClinVar variation 383900 (VCV000383900.17), dbSNP rs1057521776, ClinGen allele CA16607639.